The following is an entry in ClinVar:

NR_023317.1(RNU7-1):n.61C>T

Genes: C12orf57 (chromosome 12 open reading frame 57; plus strand), RNU7-1 (RNA, U7 small nuclear 1; plus strand). Cytogenetic location: 12p13.31.
Variant type: single nucleotide variant.
Molecular consequence: non-coding transcript variant (on NR_023317.1). On other transcripts: intron variant (2).
Genome position: GRCh38 VCF-style: chr12-6943876-C-T. GRCh37 (hg19) VCF-style: chr12-7053039-C-T.
Other names: c.13+214C>T (NM_001301836.2); c.-16+214C>T (NM_001301834.1).
Identifiers: ClinVar variation 4848461 (VCV004848461.1).

ClinVar aggregate classification (germline): Benign (1 of 4 stars; one submission).

gnomAD v4.1: 1,461 of 982,364 alleles (0.15%); highest among the groups gnomAD compares: Non-Finnish European, 0.17%; 3 homozygotes.

Submission:

Women's Health and Genetics/Laboratory Corporation of America, LabCorp
Classification: Benign. Last evaluated: 2026-04-17. Review status: criteria provided, single submitter. Criteria: LabCorp Variant Classification Summary - May 2015. Collection method: clinical testing. Allele origin: germline.
Comment: Variant summary: RNU7-1 n.61C>T alters a nucleotide in the non-coding RNA. The variant allele was found at a frequency of 0.0015 in 982364 control chromosomes in the gnomAD database, including 3 homozygotes. The observed variant frequency exceeds the estimated maximal expected allele frequency for disease-causing variants in RNU7-1. To our knowledge, no occurrence of n.61C>T in individuals affected with RNU7-1-related conditions and no experimental evidence demonstrating its impact on protein function have been reported. No submitters have cited clinical-significance assessments for this variant to ClinVar. Based on the evidence outlined above, the variant was classified as benign.